The following is an entry in ClinVar:

ClinVar aggregate classification (germline): Uncertain significance. Review status: criteria provided, multiple submitters, no conflicts (2 of 4 stars). 4 submissions from 4 submitters: Uncertain significance (3). 1 of the submissions does not count toward it. Last evaluated 2025-11-20.

Conditions:
CFTR-related disorder (CFTR-RD). Also called: CFTR-related disorders; CFTR-related condition. Identifiers: MedGen C5924204, MONDO:7770004.
Cystic fibrosis (CF). Also called: MUCOVISCIDOSIS. Identifiers: Orphanet 586, MedGen C0010674, MONDO:0009061, OMIM 219700. Disease mechanism: loss of function.

Allele frequency attached by ClinVar (database versions not stated): gnomAD exomes below 0.00001.
gnomAD v4.1: 5 of 1,612,268 alleles (0.00031%); highest among the groups gnomAD compares: Non-Finnish European, 0.00025%; no homozygotes.

Submissions (4):

Women's Health and Genetics/Laboratory Corporation of America, LabCorp
Classification: Uncertain significance. Last evaluated: 2025-11-20. Review status: criteria provided, single submitter. Criteria: LabCorp Variant Classification Summary - May 2015. Collection method: clinical testing. Allele origin: germline.
Comment: Variant summary: CFTR c.1211G>T (p.Gly404Val) results in a non-conservative amino acid change in the encoded protein sequence. Algorithms developed to predict the effect of missense changes on protein structure and function all suggest that this variant is likely to be disruptive. The variant allele was found at a frequency of 8.1e-06 in 246956 control chromosomes. The available data on variant occurrences in the general population are insufficient to allow any conclusion about variant significance. c.1211G>T has been reported in the literature in at least one heterozygous individual being tested for CFTR-related conditions (Nair_2018). This report does not provide unequivocal conclusions about association of the variant with Cystic Fibrosis. To our knowledge, no experimental evidence demonstrating an impact on protein function has been reported. The following publication has been ascertained in the context of this evaluation (PMID: 30293248). ClinVar contains an entry for this variant (Variation ID: 455760). Based on the evidence outlined above, the variant was classified as uncertain significance.

Ambry Genetics
Classification: Uncertain significance for Cystic fibrosis. Last evaluated: 2023-07-21. Review status: criteria provided, single submitter. Criteria: Ambry Variant Classification Scheme 2023. Collection method: clinical testing. Allele origin: germline.
Comment: The p.G404V variant (also known as c.1211G>T), located in coding exon 10 of the CFTR gene, results from a G to T substitution at nucleotide position 1211. The glycine at codon 404 is replaced by valine, an amino acid with dissimilar properties. This amino acid position is well conserved in available vertebrate species. In addition, this alteration is predicted to be deleterious by in silico analysis. Since supporting evidence is limited at this time, the clinical significance of this alteration remains unclear.

Labcorp Genetics (formerly Invitae), Labcorp
Classification: Uncertain significance for Cystic fibrosis. Last evaluated: 2022-07-06. Review status: criteria provided, single submitter. Criteria: Invitae Variant Classification Sherloc (09022015). Collection method: clinical testing. Allele origin: germline.
Comment: This sequence change replaces glycine, which is neutral and non-polar, with valine, which is neutral and non-polar, at codon 404 of the CFTR protein (p.Gly404Val). The frequency data for this variant in the population databases is considered unreliable, as metrics indicate poor data quality at this position in the gnomAD database. This missense change has been observed in individual(s) with clinical features of CFTR-related conditions (PMID: 30293248). This missense change has been observed to co-occur in individuals with a different variant in CFTR that has been determined to be pathogenic (Invitae), but the significance of this finding is unclear. ClinVar contains an entry for this variant (Variation ID: 455760). Algorithms developed to predict the effect of missense changes on protein structure and function (SIFT, PolyPhen-2, Align-GVGD) all suggest that this variant is likely to be tolerated. Algorithms developed to predict the effect of sequence changes on RNA splicing suggest that this variant may create or strengthen a splice site. In summary, the available evidence is currently insufficient to determine the role of this variant in disease. Therefore, it has been classified as a Variant of Uncertain Significance.

Natera, Inc.
Classification: Uncertain significance for CFTR-related disorders. Last evaluated: 2018-10-17. Review status: no assertion criteria provided. Collection method: clinical testing. Allele origin: germline. Not counted in ClinVar's aggregate classification.

Literature cited by the submitters: PubMed 30293248 (cited by Women's Health and Genetics/Laboratory Corporation of America, LabCorp and Labcorp Genetics (formerly Invitae), Labcorp).

NM_000492.4(CFTR):c.1211G>T (p.Gly404Val)

Genes: CFTR (CF transmembrane conductance regulator; plus strand), CFTR-AS1 (CFTR antisense RNA 1; minus strand). Cytogenetic location: 7q31.2.
Variant type: single nucleotide variant.
Coding change: c.1211G>T on transcript NM_000492.4 (MANE Select); coding-DNA position 1211, G replaced by T.
Protein change: p.Gly404Val; replaces glycine 404 with valine.
Molecular consequence: missense variant.
Genome position (GRCh38, 1-based): chr7:117,548,642, G>T. VCF-style: chr7-117548642-G-T. GRCh37 (hg19) VCF-style: chr7-117188696-G-T.
Other names: short protein forms G404V.
Identifiers: ClinVar variation 455760 (VCV000455760.7), dbSNP rs1324302547, ClinGen allele CA368981275.
Genomic context (GRCh38, chr7:117,548,642, plus strand): 5'-TGACAAACTCATCTTTTATTTTTGATGTGTGTGTGTGTGTGTGTGTGTTTTTTTAACAGG[G>T]ATTTGGGGAATTATTTGAGAAAGCAAAACAAAACAATAACAATAGAAAAACTTCTAATGG-3'
Protein context (NP_000483.3, residues 394-414): MENVTAFWEE[Gly404Val]FGELFEKAKQ